The following is an entry in ClinVar:

ClinVar aggregate classification (germline): Benign/Likely benign. Review status: criteria provided, multiple submitters, no conflicts (2 of 4 stars). 5 submissions from 5 submitters: Benign (1); Likely benign (4). Last evaluated 2024-10-09.

Conditions:
Familial cancer of breast. Also called: BREAST CANCER, FAMILIAL; hereditary breast carcinoma; Hereditary breast cancer. Identifiers: Orphanet 227535, MedGen C0346153, MONDO:0016419, OMIM 114480. Disease mechanism: loss of function.
Fanconi anemia complementation group J. Also called: BRIP1-Related Fanconi Anemia. Identifiers: Orphanet 84, MedGen C1836860, MONDO:0012187, OMIM 609054.
Hereditary cancer-predisposing syndrome. Also called: Hereditary neoplastic syndrome; Neoplastic Syndromes, Hereditary; Tumor predisposition; Hereditary Cancer Syndrome. Identifiers: Orphanet 140162, MedGen C0027672, MeSH D009386, MONDO:0015356.

gnomAD v4.1: 1 of 1,613,458 alleles (0.000062%); highest among the groups gnomAD compares: Non-Finnish European, 0.000085%; no homozygotes.

Submissions (5):

Blueprint Genetics
Classification: Likely benign. Last evaluated: 2024-10-09. Review status: criteria provided, single submitter. Criteria: ACMG Guidelines, 2015. Collection method: clinical testing. Allele origin: germline.

Myriad Genetics, Inc.
Classification: Benign for Familial cancer of breast. Last evaluated: 2024-08-27. Review status: criteria provided, single submitter. Criteria: Myriad Autosomal Dominant, Autosomal Recessive and X-Linked Classification Criteria (2023). Collection method: clinical testing. Allele origin: unknown.
Comment: This variant is considered benign. This variant is a silent/synonymous amino acid change and it is not expected to impact splicing.

Labcorp Genetics (formerly Invitae), Labcorp
Classification: Likely benign for Familial cancer of breast; Fanconi anemia complementation group J. Last evaluated: 2024-03-07. Review status: criteria provided, single submitter. Criteria: Invitae Variant Classification Sherloc (09022015). Collection method: clinical testing. Allele origin: germline.

Ambry Genetics
Classification: Likely benign for Hereditary cancer-predisposing syndrome. Last evaluated: 2021-11-24. Review status: criteria provided, single submitter. Criteria: Ambry Variant Classification Scheme 2023. Collection method: clinical testing. Allele origin: germline.

Women's Health and Genetics/Laboratory Corporation of America, LabCorp
Classification: Likely benign. Last evaluated: 2019-08-21. Review status: criteria provided, single submitter. Criteria: LabCorp Variant Classification Summary - May 2015. Collection method: clinical testing. Allele origin: germline.
Comment: Variant summary: BRIP1 c.1315C>A alters a conserved nucleotide resulting in a synonymous change. 4/5 computational tools predict no significant impact on normal splicing. However, these predictions have yet to be confirmed by functional studies. The variant was absent in 251156 control chromosomes. The available data on variant occurrences in the general population are insufficient to allow any conclusion about variant significance. To our knowledge, no occurrence of c.1315C>A in individuals affected with Hereditary Breast and Ovarian Cancer and no experimental evidence demonstrating its impact on protein function have been reported. No clinical diagnostic laboratories have submitted clinical-significance assessments for this variant to ClinVar after 2014. Based on the evidence outlined above, the variant was classified as likely benign.

NM_032043.3(BRIP1):c.1315C>A (p.Arg439=)

Gene: BRIP1 (BRCA1 interacting DNA helicase 1; minus strand). Cytogenetic location: 17q23.2.
Variant type: single nucleotide variant.
Coding change: c.1315C>A on transcript NM_032043.3 (MANE Select); coding-DNA position 1315, C replaced by A.
Protein change: p.Arg439=; no amino-acid change (arginine 439 retained).
Molecular consequence: synonymous variant.
Genome position (GRCh38, 1-based): chr17:61,799,125, G>T on the plus strand (C>A on the coding strand, the complement: BRIP1 is on the minus strand). VCF-style: chr17-61799125-G-T. GRCh37 (hg19) VCF-style: chr17-59876486-G-T.
Identifiers: ClinVar variation 496479 (VCV000496479.11), dbSNP rs587780226, ClinGen allele CA501151467.
Genomic context (GRCh38, chr17:61,799,125, plus strand): 5'-GCAGCACAAATACACTAATAGACAAATCTTCTTACTTAATGAGGCTACAGCACACAGCTC[G>T]TAGGGGTTCATGATCTTTCTTCCTTATATTATTGTTGACCATACTATCTAGTTCATCCCG-3'
Protein context (NP_114432.2, residues 429-449): NIRKKDHEPL[Arg439=]AVCCSLINWL